The following is an entry in ClinVar:

ClinVar aggregate classification (germline): Conflicting classifications of pathogenicity. Review status: criteria provided, conflicting classifications (1 of 4 stars). 7 submissions from 7 submitters: Uncertain significance (4); Likely benign (1). 2 of the submissions do not count toward it. Last evaluated 2026-01-27.

Conditions:
Encephalopathy, neonatal severe, with lactic acidosis and brain abnormalities (NELABA). Also called: Lipoyl transferase 2 deficiency; LIPOYLTRANSFERASE 2 DEFICIENCY. Identifiers: Orphanet 447795, MedGen C5681203, MONDO:0060562, OMIM 617668.
Brugada syndrome 6 (BRGDA6). Identifiers: Orphanet 130, MedGen C2751089, MONDO:0013145, OMIM 613119.
Cardiovascular phenotype. Identifiers: MedGen CN230736.

Allele frequency attached by ClinVar (database versions not stated): ExAC 0.00007; gnomAD exomes 0.00014 and 0.00005; 1000 Genomes Project 0.00060; 1000 Genomes Project 30x 0.00094; gnomAD 0.00002 and 0.00005; TOPMed 0.00007.
gnomAD v4.1: 86 of 1,614,156 alleles (0.0053%); highest among the groups gnomAD compares: East Asian, 0.17%; no homozygotes.

Submissions (7):

Labcorp Genetics (formerly Invitae), Labcorp
Classification: Uncertain significance for Brugada syndrome 6. Last evaluated: 2026-01-27. Review status: criteria provided, single submitter. Criteria: Invitae Variant Classification Sherloc (09022015). Collection method: clinical testing. Allele origin: germline.
Comment: This sequence change replaces threonine, which is neutral and polar, with alanine, which is neutral and non-polar, at codon 4 of the KCNE3 protein (p.Thr4Ala). This variant is present in population databases (rs200856070, gnomAD 0.2%), and has an allele count higher than expected for a pathogenic variant. This missense change has been observed in individual(s) with clinical features of long QT syndrome or Brugada syndrome. However, in two of these individuals additional variants were also identified in other genes associated with long QT syndrome, which suggests that this c.10A>G variant was not the primary cause of disease. (PMID: 19306396, 22987075, 28747690). ClinVar contains an entry for this variant (Variation ID: 126426). An algorithm developed to predict the effect of missense changes on protein structure and function outputs the following: PolyPhen-2: "Benign". The alanine amino acid residue is found in multiple mammalian species, which suggests that this missense change does not adversely affect protein function. Experimental studies are conflicting or provide insufficient evidence to determine the effect of this variant on KCNE3 function (PMID: 19306396, 22987075). In summary, the available evidence is currently insufficient to determine the role of this variant in disease. Therefore, it has been classified as a Variant of Uncertain Significance.

Clinical Genomics Laboratory, Stanford Medicine
Classification: Uncertain significance. Last evaluated: 2022-10-27. Review status: criteria provided, single submitter. Criteria: ACMG Guidelines, 2015. Collection method: clinical testing. Allele origin: germline. Observed: 1 variant allele, 1 heterozygote.
Comment: The p.Thr4Ala variant in the KCNE3 gene has been previously reported in an individual with long QT syndrome (PMID: 19306396), in an individual with syncope and a Brugada-pattern electrocardiogram (PMID: 22987075), and in an individual with sudden unexpected death in infancy (PMID: 28747690). However, for two of the previous reports, additional variants potentially contributing to the phenotype were identified. This variant has been identified in 36/19,954 East Asian chromosomes (37/282,746 chromosomes overall) by the Genome Aggregation Database. This allele frequency is higher than expected for a pathogenic variant. This variant is present in ClinVar (Accession: VCV000126426.17). Functional studies of this variant are conflicting with some supporting a deleterious impact and others suggesting no significant impact to protein function (PMID: 19306396; PMID: 22987075). The threonine at position 4 is moderately evolutionarily conserved; however, alanine is observed at this position in multiple mammalian species. Computational tools predict that the p.Thr4Ala variant is deleterious; however, the accuracy of in silico algorithms is limited. These data were assessed using the ACMG/AMP variant interpretation guidelines. In summary, the significance of the p.Thr4Ala variant is uncertain. Additional information is needed to resolve the significance of this variant. [ACMG evidence codes used: BS1_Supporting; PP3]

Ambry Genetics
Classification: Likely benign for Cardiovascular phenotype. Last evaluated: 2020-10-13. Review status: criteria provided, single submitter. Criteria: Ambry Variant Classification Scheme 2023. Collection method: clinical testing. Allele origin: germline.

Mendelics
Classification: Uncertain significance for Encephalopathy, neonatal severe, with lactic acidosis and brain abnormalities. Last evaluated: 2019-05-28. Review status: criteria provided, single submitter. Criteria: Mendelics Assertion Criteria 2017. Collection method: clinical testing. Allele origin: unknown.

Laboratory for Molecular Medicine, Mass General Brigham Personalized Medicine
Classification: Uncertain significance. Last evaluated: 2016-03-31. Review status: criteria provided, single submitter. Criteria: LMM Criteria. Collection method: clinical testing. Allele origin: germline.
Comment: Variant identified in a genome or exome case(s) and assessed due to predicted null impact of the variant or pathogenic assertions in the literature or databases. Disclaimer: This variant has not undergone full assessment. The following are preliminary notes: Reported in 2 probands, some functional data, but high in ExAC: 0.1% (9/8646) East Asian

OMIM
Classification: Uncertain significance for VARIANT OF UNKNOWN SIGNIFICANCE. Last evaluated: 2012-01-01. Review status: no assertion criteria provided. Collection method: literature only. Allele origin: germline. Not counted in ClinVar's aggregate classification.

Soonchunhyang University Bucheon Hospital, Soonchunhyang University Medical Center
Classification: Likely pathogenic for Brugada syndrome 6. Last evaluated: 2016-03-18. Review status: flagged submission. Criteria: ACMG Guidelines, 2015. Collection method: reference population. Allele origin: germline. Observed: 1 variant allele. Not counted in ClinVar's aggregate classification.
ClinVar note: Reason: Outlier claim with insufficient supporting evidence

Literature cited by the submitters: PubMed 19306396 (cited by 5 submitters); PubMed 22987075 (cited by 5 submitters); PubMed 28747690 (cited by 3 submitters).

NM_005472.5(KCNE3):c.10A>G (p.Thr4Ala)

Genes: LIPT2 (lipoyl(octanoyl) transferase 2; minus strand), KCNE3 (potassium voltage-gated channel subfamily E regulatory subunit 3; minus strand). Cytogenetic location: 11q13.4.
Variant type: single nucleotide variant.
Coding change: c.10A>G on transcript NM_005472.5 (MANE Select); coding-DNA position 10, A replaced by G.
Protein change: p.Thr4Ala; replaces threonine 4 with alanine.
Molecular consequence: missense variant.
Genome position (GRCh38, 1-based): chr11:74,457,554, T>C on the plus strand (A>G on the coding strand, the complement: KCNE3 is on the minus strand). VCF-style: chr11-74457554-T-C. GRCh37 (hg19) VCF-style: chr11-74168599-T-C.
Other names: short protein forms T4A.
Identifiers: ClinVar variation 126426 (VCV000126426.18), dbSNP rs200856070, ClinGen allele CA230668.